The following is an entry in ClinVar:

NM_005188.4(CBL):c.940A>T (p.Ile314Phe)

Gene: CBL (Cbl proto-oncogene; plus strand). Cytogenetic location: 11q23.3.
Variant type: single nucleotide variant.
Coding change: c.940A>T on transcript NM_005188.4 (MANE Select); coding-DNA position 940, A replaced by T.
Protein change: p.Ile314Phe; replaces isoleucine 314 with phenylalanine.
Molecular consequence: missense variant.
Genome position (GRCh38, 1-based): chr11:119,276,067, A>T. VCF-style: chr11-119276067-A-T. GRCh37 (hg19) VCF-style: chr11-119146777-A-T.
Other names: short protein forms I314F.
Identifiers: ClinVar variation 2832025 (VCV002832025.3), dbSNP rs2496935659, ClinGen allele CA382911485.

ClinVar aggregate classification (germline): Uncertain significance (1 of 4 stars; one submission).

Conditions:
RASopathy. Also called: rasopathies; Noonan spectrum disorder. Identifiers: Orphanet 536391, MedGen C5555857, MONDO:0021060.

gnomAD v4.1: 1 of 1,614,070 alleles (0.000062%); highest among the groups gnomAD compares: Non-Finnish European, 0.000085%; no homozygotes.

Submission:

Labcorp Genetics (formerly Invitae), Labcorp
Classification: Uncertain significance for RASopathy. Last evaluated: 2023-01-26. Review status: criteria provided, single submitter. Criteria: Invitae Variant Classification Sherloc (09022015). Collection method: clinical testing. Allele origin: germline.
Comment: This variant has not been reported in the literature in individuals affected with CBL-related conditions. In summary, the available evidence is currently insufficient to determine the role of this variant in disease. Therefore, it has been classified as a Variant of Uncertain Significance. Advanced modeling of protein sequence and biophysical properties (such as structural, functional, and spatial information, amino acid conservation, physicochemical variation, residue mobility, and thermodynamic stability) has been performed at Invitae for this missense variant, however the output from this modeling did not meet the statistical confidence thresholds required to predict the impact of this variant on CBL protein function. This variant is not present in population databases (gnomAD no frequency). This sequence change replaces isoleucine, which is neutral and non-polar, with phenylalanine, which is neutral and non-polar, at codon 314 of the CBL protein (p.Ile314Phe).